The following is an entry in ClinVar:

ClinVar aggregate classification (germline): Pathogenic (1 of 4 stars; one submission).

Conditions:
Fabry disease. Also called: ALPHA-GALACTOSIDASE A DEFICIENCY; ANDERSON-FABRY DISEASE; CERAMIDE TRIHEXOSIDASE DEFICIENCY; GLA DEFICIENCY; HEREDITARY DYSTOPIC LIPIDOSIS; Angiokeratoma corporis diffusum. Identifiers: Orphanet 324, MedGen C0002986, MONDO:0010526, OMIM 301500, HP:0001071. Disease mechanism: Fabry disease is due to inactivating mutations in the X-linked GLA gene resulting in deficiency of the enzyme Alpha Galactosidase-A., loss of function.

Submission:

Genomenon, Inc
Classification: Pathogenic for Fabry disease. Last evaluated: 2026-09-08. Review status: criteria provided, single submitter. Criteria: Genomenon Sequence Variant Interpretation Standards - Updated. Collection method: curation. Allele origin: germline. Affected: yes.
Comment: GLA c.547+1G>C is a canonical splice variant affecting the donor splice site of intron 3. It is predicted to affect mRNA splicing, leading to a deleterious effect on the GLA protein. This variant has been observed in at least one proband with clinical features consistent with Fabry disease (PMID:29661900;34440358;29361493). It is absent or not present at a significant frequency in gnomAD. In conclusion, we classify GLA c.547+1G>C as a pathogenic variant.

Literature cited by the submitters: PubMed 29661900; PubMed 34440358; PubMed 29361493.

NM_000169.3(GLA):c.547+1G>C

Genes: GLA (galactosidase alpha; minus strand), RPL36A-HNRNPH2 (RPL36A-HNRNPH2 readthrough; plus strand). Cytogenetic location: Xq22.1.
Variant type: single nucleotide variant.
Coding change: c.547+1G>C on transcript NM_000169.3 (MANE Select); the canonical splice donor site of the intron after coding-DNA position 547, G replaced by C.
Molecular consequence: splice donor variant. On other transcripts: missense variant (1), intron variant (2).
Genome position (GRCh38, 1-based): chrX:101,401,631, C>G on the plus strand (G>C on the coding strand, the complement: GLA is on the minus strand). VCF-style: chrX-101401631-C-G. GRCh37 (hg19) VCF-style: chrX-100656619-C-G.
Other names: c.671G>C, p.Gly224Ala (NM_001406749.1); c.300+6174C>G (NM_001199973.2); c.177+9809C>G (NM_001199974.2); c.670+1G>C (NM_001406747.1); c.547+1G>C (NM_001406748.1); short protein forms G224A.
Identifiers: ClinVar variation 4087210 (VCV004087210.2).